The following is an entry in ClinVar:

NM_001009944.3(PKD1):c.9330T>C (p.Pro3110=)

Gene: PKD1 (polycystin 1, transient receptor potential channel interacting; minus strand). Cytogenetic location: 16p13.3.
Variant type: single nucleotide variant.
Coding change: c.9330T>C on transcript NM_001009944.3 (MANE Select); coding-DNA position 9330, T replaced by C.
Protein change: p.Pro3110=; no amino-acid change (proline 3110 retained).
Molecular consequence: synonymous variant.
Genome position (GRCh38, 1-based): chr16:2,102,128, A>G on the plus strand (T>C on the coding strand, the complement: PKD1 is on the minus strand). VCF-style: chr16-2102128-A-G. GRCh37 (hg19) VCF-style: chr16-2152129-A-G.
Other names: p.Pro3110=; c.9330T>C, p.Pro3110= (NM_000296.4).
Identifiers: ClinVar variation 257042 (VCV000257042.20), dbSNP rs12926160, ClinGen allele CA7830135.

ClinVar aggregate classification (germline): Benign. Review status: criteria provided, multiple submitters, no conflicts (2 of 4 stars). 10 submissions from 10 submitters: Benign (9). 1 of the submissions does not count toward it. Last evaluated 2025-08-08.

Conditions:
Autosomal dominant polycystic kidney disease. Identifiers: Orphanet 730, MedGen C0085413, MONDO:0004691.
Polycystic kidney disease, adult type (PKD1). Also called: Polycystic Kidney, Autosomal Dominant; Polycystic Kidney Disease 1, Autosomal Dominant; Polycystic kidney disease 1; Polycystic kidney disease 1, severe; POLYCYSTIC KIDNEY DISEASE 1 WITH OR WITHOUT POLYCYSTIC LIVER DISEASE; POLYCYSTIC KIDNEY DISEASE, ADULT, TYPE I. Identifiers: MedGen C3149841, MONDO:0008263, OMIM 173900.
Polycystic kidney disease. Also called: Polycystic kidney dysplasia; Kidney, Polycystic. Identifiers: MedGen C0022680, MeSH D007690, MONDO:0020642, HP:0000113.

Allele frequency attached by ClinVar (database versions not stated): ExAC 0.00029; gnomAD exomes 0.03257; 1000 Genomes Project 0.13878; gnomAD 0.22231; 1000 Genomes Project 30x 0.23095.
gnomAD v4.1: 103,933 of 1,536,054 alleles (6.8%); highest among the groups gnomAD compares: African/African-American, 38%; 13,168 homozygotes.

Submissions (10):

Athena Diagnostics
Classification: Benign. Last evaluated: 2025-08-08. Review status: criteria provided, single submitter. Criteria: Athena Diagnostics Criteria. Collection method: clinical testing. Allele origin: unknown.
Comment: The frequency of this variant in the general population is higher than would generally be expected for pathogenic variants in this gene.

Women's Health and Genetics/Laboratory Corporation of America, LabCorp
Classification: Benign. Last evaluated: 2025-03-27. Review status: criteria provided, single submitter. Criteria: LabCorp Variant Classification Summary - May 2015. Collection method: clinical testing. Allele origin: germline.

Blueprint Genetics
Classification: Benign. Last evaluated: 2024-11-27. Review status: criteria provided, single submitter. Criteria: ACMG Guidelines, 2015. Collection method: clinical testing. Allele origin: germline.

Mayo Clinic Laboratories, Mayo Clinic
Classification: Benign. Last evaluated: 2022-04-26. Review status: criteria provided, single submitter. Criteria: ACMG Guidelines, 2015. Collection method: clinical testing. Allele origin: germline. Observed: 285 variant alleles.

ARUP Laboratories, Molecular Genetics and Genomics, ARUP Laboratories
Classification: Benign for Polycystic kidney disease, adult type. Last evaluated: 2020-07-07. Review status: criteria provided, single submitter. Criteria: ARUP Molecular Germline Variant Investigation Process. Collection method: clinical testing. Allele origin: germline.

GeneDx
Classification: Benign. Last evaluated: 2019-12-19. Review status: criteria provided, single submitter. Criteria: GeneDx Variant Classification Process June 2021. Collection method: clinical testing. Allele origin: germline. Affected: yes.
Comment: This variant is associated with the following publications: (PMID: 24374109, 11857740, 22608885, 22383692, 22008521, 18837007, 17574468, 10854095)

Molecular Genetics of Inherited Kidney Disorders Laboratory, Garvan Institute of Medical Research
Classification: Benign for Autosomal dominant polycystic kidney disease. Last evaluated: 2019-01-01. Review status: criteria provided, single submitter. Criteria: ACMG Guidelines, 2015. Collection method: research. Allele origin: germline. Affected: yes.

Breakthrough Genomics
Classification: Benign. Review status: criteria provided, single submitter. Criteria: ACMG Guidelines, 2015. Collection method: not provided. Allele origin: germline. Inheritance: Autosomal dominant inheritance. Affected: yes.

PreventionGenetics, part of Exact Sciences
Classification: Benign. Review status: criteria provided, single submitter. Criteria: ACMG Guidelines, 2015. Collection method: clinical testing. Allele origin: germline.

Department of Pathology and Laboratory Medicine, Sinai Health System
Classification: Benign for Polycystic Kidney disease. Review status: no assertion criteria provided. Collection method: clinical testing. Allele origin: unknown. Affected: yes. Study: The Canadian Open Genetics Repository (COGR). Not counted in ClinVar's aggregate classification.
Comment: The PKD1 p.Pro3110Pro variant was identified as a polymorphism in 92 of 658 proband chromosomes (frequency: 0.140) from individuals or families with ADPKD (McCluskey 2002, Garcia-Gonzalez 2007, Rossetti 2012). The variant was also identified in dbSNP (ID: rs144582212 â€šÃ„ÃºWith unknown alleleâ€šÃ„Ã¹, with a minor allele frequency of 0.1388 (695 of 5007 chromosomes in 1000 Genomes Project). The variant was not identified in the NHLBI Exome Sequencing Project (Exome Variant Server). This variant was identified in the Exome Aggregation Consortium (ExAC) database (March 14, 2016) in 20 of 69990 chromosomes (frequency: 0.0003) or 9 of 2566 African , 2 of 7098 Latino , 9 of 37172 European (Non-Finnish) chromosomes and was not found in populations of South Asians, East Asian, European (Finnish) and other. We cannot be certain that variant data from control databases is specific to PKD1 and not from one of the six PKD1 pseudogenes. The variant was identified in Clinvitae by EmyClass and classified as benign. The variant was also identified in the PKD Mutation Database and classified as likely neutral. The p.Pro3110Pro variant is not expected to have clinical significance because it does not result in a change of amino acid and is not located in a known consensus splice site. In addition, in silico or computational prediction software programs (SpliceSiteFinder, MaxEntScan, NNSPLICE, GeneSplicer, HumanSpliceFinder) do not predict a difference in splicing. In summary, based on the above information, this variant meets our laboratory criteria to be classified as benign.

Literature cited by the submitters: PubMed 22008521 (cited by Athena Diagnostics); PubMed 10854095 (cited by Athena Diagnostics); PubMed 22608885 (cited by Athena Diagnostics); PubMed 24374109 (cited by Athena Diagnostics); PubMed 11857740 (cited by Athena Diagnostics); PubMed 18837007 (cited by Athena Diagnostics); PubMed 15772804 (cited by Athena Diagnostics).